The following is an entry in ClinVar:

NM_152424.4(AMER1):c.74C>T (p.Ala25Val)

Gene: AMER1 (APC membrane recruitment protein 1; minus strand). Cytogenetic location: Xq11.2.
Variant type: single nucleotide variant.
Coding change: c.74C>T on transcript NM_152424.4 (MANE Select); coding-DNA position 74, C replaced by T.
Protein change: p.Ala25Val; replaces alanine 25 with valine.
Molecular consequence: missense variant.
Genome position (GRCh38, 1-based): chrX:64,193,213, G>A on the plus strand (C>T on the coding strand, the complement: AMER1 is on the minus strand). VCF-style: chrX-64193213-G-A. GRCh37 (hg19) VCF-style: chrX-63413093-G-A.
Other names: short protein forms A25V.
Identifiers: ClinVar variation 2902130 (VCV002902130.3), dbSNP rs767686564, ClinGen allele CA10432538.

ClinVar aggregate classification (germline): Uncertain significance (1 of 4 stars; one submission).

Allele frequency attached by ClinVar (database versions not stated): gnomAD exomes 0.00001; TOPMed 0.00003; ExAC 0.00001; gnomAD 0.00002.
gnomAD v4.1: 13 of 1,210,081 alleles (0.0011%); highest among the groups gnomAD compares: Admixed American, 0.028%; no homozygotes.

Submission:

Labcorp Genetics (formerly Invitae), Labcorp
Classification: Uncertain significance. Last evaluated: 2025-05-13. Review status: criteria provided, single submitter. Criteria: Invitae Variant Classification Sherloc (09022015). Collection method: clinical testing. Allele origin: germline.
Comment: This sequence change replaces alanine, which is neutral and non-polar, with valine, which is neutral and non-polar, at codon 25 of the AMER1 protein (p.Ala25Val). This variant is present in population databases (rs767686564, gnomAD 0.004%), including at least one homozygous and/or hemizygous individual. This variant has not been reported in the literature in individuals affected with AMER1-related conditions. ClinVar contains an entry for this variant (Variation ID: 2902130). An algorithm developed to predict the effect of missense changes on protein structure and function (PolyPhen-2) suggests that this variant is likely to be tolerated. In summary, the available evidence is currently insufficient to determine the role of this variant in disease. Therefore, it has been classified as a Variant of Uncertain Significance.